The following is an entry in ClinVar:

NM_014491.4(FOXP2):c.1304T>C (p.Met435Thr)

Gene: FOXP2 (forkhead box P2; plus strand). Cytogenetic location: 7q31.1.
Variant type: single nucleotide variant.
Coding change: c.1304T>C on transcript NM_014491.4 (MANE Select); coding-DNA position 1304, T replaced by C.
Protein change: p.Met435Thr; replaces methionine 435 with threonine.
Molecular consequence: missense variant. On other transcripts: non-coding transcript variant (1).
Genome position (GRCh38, 1-based): chr7:114,658,103, T>C. VCF-style: chr7-114658103-T-C. GRCh37 (hg19) VCF-style: chr7-114298158-T-C.
Other names: c.1301T>C, p.Met434Thr (NM_001172766.3); c.1379T>C, p.Met460Thr (NM_148898.4); c.1355T>C, p.Met452Thr (NM_148900.4); short protein forms M434T, M435T, M452T, M460T.
Identifiers: ClinVar variation 3029576 (VCV003029576.2), dbSNP rs2485473659, ClinGen allele CA368964950.
Genomic context (GRCh38, chr7:114,658,103, plus strand): 5'-GCCCTTCTCTTGGGCCTTTGCAGCTAAATCTGGTGTCTAGTGTCACCATGTCGAAGAATA[T>C]GTTGGAGACATCCCCACAGAGCTTACCTCAAACCCCTACCACACCAACGGCCCCAGTCAC-3'
Protein context (NP_055306.1, residues 425-445): LVSSVTMSKN[Met435Thr]LETSPQSLPQ

ClinVar aggregate classification (germline): Uncertain significance (0 of 4 stars; one submission).

Conditions:
FOXP2-related disorder. Also called: FOXP2-related condition.

Submission:

PreventionGenetics, part of Exact Sciences
Classification: Uncertain significance for FOXP2-related condition. Last evaluated: 2023-11-29. Review status: no assertion criteria provided. Collection method: clinical testing. Allele origin: germline.
Comment: The FOXP2 c.1304T>C variant is predicted to result in the amino acid substitution p.Met435Thr. To our knowledge, this variant has not been reported in the literature or in a large population database, indicating this variant is rare. At this time, the clinical significance of this variant is uncertain due to the absence of conclusive functional and genetic evidence.